The following is an entry in ClinVar:

NM_000535.7(PMS2):c.903+6T>C

Gene: PMS2 (PMS1 homolog 2, mismatch repair system component; minus strand). Cytogenetic location: 7p22.1.
Variant type: single nucleotide variant.
Coding change: c.903+6T>C on transcript NM_000535.7 (MANE Select); 6 bases into the intron after coding-DNA position 903, T replaced by C.
Molecular consequence: intron variant.
Genome position (GRCh38, 1-based): chr7:5,995,528, A>G on the plus strand (T>C on the coding strand, the complement: PMS2 is on the minus strand). VCF-style: chr7-5995528-A-G. GRCh37 (hg19) VCF-style: chr7-6035159-A-G.
Other names: c.585+6T>C (NM_001322008.2, NM_001322007.2); c.498+6T>C (NM_001322010.2, NM_001322004.2, NM_001322003.2 and 2 more transcripts); c.330+6T>C (NM_001322013.2); c.-31+6T>C (NM_001322012.2, NM_001322011.2); c.594+6T>C (NM_001322015.2); c.903+6T>C (NM_001322006.2, NM_001322014.2).
Identifiers: ClinVar variation 1043060 (VCV001043060.6), dbSNP rs1784289590, ClinGen allele CA1685258996.

ClinVar aggregate classification (germline): Uncertain significance (1 of 4 stars; one submission).

Conditions:
Hereditary nonpolyposis colorectal neoplasms. Identifiers: MedGen C0009405, MeSH D003123.

Allele frequency attached by ClinVar (database versions not stated): TOPMed below 0.00001.

Submission:

Labcorp Genetics (formerly Invitae), Labcorp
Classification: Uncertain significance for Hereditary nonpolyposis colorectal neoplasms. Last evaluated: 2024-09-10. Review status: criteria provided, single submitter. Criteria: Invitae Variant Classification Sherloc (09022015). Collection method: clinical testing. Allele origin: germline.
Comment: This sequence change falls in intron 8 of the PMS2 gene. It does not directly change the encoded amino acid sequence of the PMS2 protein. It affects a nucleotide within the consensus splice site. This variant is not present in population databases (gnomAD no frequency). This variant has not been reported in the literature in individuals affected with PMS2-related conditions. ClinVar contains an entry for this variant (Variation ID: 1043060). Variants that disrupt the consensus splice site are a relatively common cause of aberrant splicing (PMID: 17576681, 9536098). Algorithms developed to predict the effect of sequence changes on RNA splicing suggest that this variant is not likely to affect RNA splicing. In summary, the available evidence is currently insufficient to determine the role of this variant in disease. Therefore, it has been classified as a Variant of Uncertain Significance.

Literature cited by the submitters: PubMed 17576681; PubMed 9536098.